The following is an entry in ClinVar:

ClinVar aggregate classification (germline): Uncertain significance. Review status: criteria provided, multiple submitters, no conflicts (2 of 4 stars). 2 submissions from 2 submitters: Uncertain significance (2). Last evaluated 2023-09-13.

Conditions:
Hereditary cancer-predisposing syndrome. Also called: Neoplastic Syndromes, Hereditary; Tumor predisposition; Hereditary Cancer Syndrome; Hereditary neoplastic syndrome. Identifiers: Orphanet 140162, MedGen C0027672, MeSH D009386, MONDO:0015356.
Gorlin syndrome. Also called: Nevoid Basal Cell Carcinoma Syndrome; Basal cell nevus syndrome. Identifiers: Orphanet 377, MedGen C0004779, MONDO:0007187.

Submissions (2):

Labcorp Genetics (formerly Invitae), Labcorp
Classification: Uncertain significance for Gorlin syndrome. Last evaluated: 2023-09-13. Review status: criteria provided, single submitter. Criteria: Invitae Variant Classification Sherloc (09022015). Collection method: clinical testing. Allele origin: germline.
Comment: In summary, the available evidence is currently insufficient to determine the role of this variant in disease. Therefore, it has been classified as a Variant of Uncertain Significance. Advanced modeling of protein sequence and biophysical properties (such as structural, functional, and spatial information, amino acid conservation, physicochemical variation, residue mobility, and thermodynamic stability) performed at Invitae indicates that this missense variant is not expected to disrupt PTCH1 protein function. ClinVar contains an entry for this variant (Variation ID: 1738538). This variant is not present in population databases (gnomAD no frequency). This sequence change replaces glycine, which is neutral and non-polar, with alanine, which is neutral and non-polar, at codon 1396 of the PTCH1 protein (p.Gly1396Ala). This variant has not been reported in the literature in individuals affected with PTCH1-related conditions.

Ambry Genetics
Classification: Uncertain significance for Hereditary cancer-predisposing syndrome. Last evaluated: 2022-08-29. Review status: criteria provided, single submitter. Criteria: Ambry Variant Classification Scheme 2023. Collection method: clinical testing. Allele origin: germline.
Comment: The p.G1396A variant (also known as c.4187G>C), located in coding exon 23 of the PTCH1 gene, results from a G to C substitution at nucleotide position 4187. The glycine at codon 1396 is replaced by alanine, an amino acid with similar properties. This amino acid position is conserved. In addition, this alteration is predicted to be tolerated by in silico analysis. Since supporting evidence is limited at this time, the clinical significance of this alteration remains unclear.

NM_000264.5(PTCH1):c.4187G>C (p.Gly1396Ala)

Gene: PTCH1 (patched 1; minus strand). Cytogenetic location: 9q22.32.
Variant type: single nucleotide variant.
Coding change: c.4187G>C on transcript NM_000264.5 (MANE Select); coding-DNA position 4187, G replaced by C.
Protein change: p.Gly1396Ala; replaces glycine 1396 with alanine.
Molecular consequence: missense variant. On other transcripts: non-coding transcript variant (1).
Genome position (GRCh38, 1-based): chr9:95,447,069, C>G on the plus strand (G>C on the coding strand, the complement: PTCH1 is on the minus strand). VCF-style: chr9-95447069-C-G. GRCh37 (hg19) VCF-style: chr9-98209351-C-G.
Other names: c.3989G>C, p.Gly1330Ala (NM_001083602.3); c.4184G>C, p.Gly1395Ala (NM_001083603.3); c.3734G>C, p.Gly1245Ala (NM_001083604.3, NM_001083605.3, NM_001083606.3 and 1 more transcripts); c.4031G>C, p.Gly1344Ala (NM_001354918.2); short protein forms G1330A, G1245A, G1344A, G1395A, G1396A.
Identifiers: ClinVar variation 1738538 (VCV001738538.5), dbSNP rs747923595, ClinGen allele CA374110160.
Genomic context (GRCh38, chr9:95,447,069, plus strand): 5'-AAAGGCACGTGGGGGTCCTCAAACAGGCCGTGGTCAGTCTCAGGGTAGCCTGGGCAGAGT[C>G]CCCCTCGGGGGTTCCGCCCAGGCCCAGGGACAGGCGGCGGGTGCACGGCGACAGTCACGG-3'
Protein context (NP_000255.2, residues 1386-1406): VPGPGRNPRG[Gly1396Ala]LCPGYPETDH